The following is an entry in ClinVar:

NM_015662.3(IFT172):c.4937G>A (p.Arg1646Gln)

Genes: IFT172 (intraflagellar transport 172; minus strand), KRTCAP3 (keratinocyte associated protein 3; plus strand). Cytogenetic location: 2p23.3.
Variant type: single nucleotide variant.
Coding change: c.4937G>A on transcript NM_015662.3 (MANE Select); coding-DNA position 4937, G replaced by A.
Protein change: p.Arg1646Gln; replaces arginine 1646 with glutamine.
Molecular consequence: missense variant. On other transcripts: intron variant (1).
Genome position (GRCh38, 1-based): chr2:27,445,427, C>T on the plus strand (G>A on the coding strand, the complement: IFT172 is on the minus strand). VCF-style: chr2-27445427-C-T. GRCh37 (hg19) VCF-style: chr2-27668294-C-T.
Other names: c.4871G>A, p.Arg1624Gln (NM_001410739.1); c.*6-874C>T (NM_001168364.2); c.4937G>A (NM_015662.1, NM_015662.2); short protein forms R1646Q, R1624Q.
Identifiers: ClinVar variation 1001774 (VCV001001774.14), dbSNP rs549415233, ClinGen allele CA1579405.

ClinVar aggregate classification (germline): Uncertain significance. Review status: criteria provided, multiple submitters, no conflicts (2 of 4 stars). 7 submissions from 7 submitters: Uncertain significance (7). Last evaluated 2025-10-15.

Conditions:
IFT172-related disorder. Also called: IFT172-related condition; IFT172-related disorders.
Bardet-Biedl syndrome 20. Identifiers: MedGen C4310707, MONDO:0023670, OMIM 619471, MONDO:0014926.
Retinitis pigmentosa 71 (RP71). Identifiers: Orphanet 791, MedGen C4225342, MONDO:0014618, OMIM 616394.
Short-rib thoracic dysplasia 10 with or without polydactyly (SRTD10). Identifiers: Orphanet 474, MedGen C3810175, MONDO:0014284, OMIM 615630.
Inborn genetic diseases. Identifiers: MedGen C0950123, MeSH D030342.
Retinal dystrophy. Also called: Inherited retinal dystrophy. Identifiers: Orphanet 71862, MedGen C0854723, MeSH D058499, MONDO:0019118, HP:0000556.

Allele frequency attached by ClinVar (database versions not stated): TOPMed 0.00003; ExAC 0.00004; 1000 Genomes Project 30x 0.00016; gnomAD exomes 0.00003; gnomAD 0.00001 and 0.00002; 1000 Genomes Project 0.00020.
gnomAD v4.1: 33 of 1,611,524 alleles (0.002%); highest among the groups gnomAD compares: East Asian, 0.025%; no homozygotes.

Submissions (7):

PreventionGenetics, part of Exact Sciences
Classification: Uncertain significance for IFT172-related condition. Last evaluated: 2025-10-15. Review status: criteria provided, single submitter. Criteria: ACMG Guidelines, 2015. Collection method: clinical testing. Allele origin: germline.
Comment: The IFT172 c.4937G>A variant is predicted to result in the amino acid substitution p.Arg1646Gln. To our knowledge, this variant has not been reported in the literature. This variant is reported in 0.022% of alleles in individuals of East Asian descent in gnomAD. At this time, the clinical significance of this variant is uncertain due to the absence of conclusive functional and genetic evidence.

Ambry Genetics
Classification: Uncertain significance for Inborn genetic diseases. Last evaluated: 2024-08-10. Review status: criteria provided, single submitter. Criteria: Ambry Variant Classification Scheme 2023. Collection method: clinical testing. Allele origin: germline.

Blueprint Genetics
Classification: Uncertain significance. Last evaluated: 2024-06-14. Review status: criteria provided, single submitter. Criteria: ACMG Guidelines, 2015. Collection method: clinical testing. Allele origin: germline.

Dept Of Ophthalmology, Nagoya University
Classification: Uncertain significance for Retinal dystrophy. Last evaluated: 2023-10-01. Review status: criteria provided, single submitter. Criteria: Submitter's publication. Collection method: research. Allele origin: germline. Affected: yes.

Labcorp Genetics (formerly Invitae), Labcorp
Classification: Uncertain significance for Retinitis pigmentosa 71; Short-rib thoracic dysplasia 10 with or without polydactyly. Last evaluated: 2022-06-20. Review status: criteria provided, single submitter. Criteria: Invitae Variant Classification Sherloc (09022015). Collection method: clinical testing. Allele origin: germline.
Comment: This sequence change replaces arginine, which is basic and polar, with glutamine, which is neutral and polar, at codon 1646 of the IFT172 protein (p.Arg1646Gln). This variant is present in population databases (rs549415233, gnomAD 0.02%). This variant has not been reported in the literature in individuals affected with IFT172-related conditions. ClinVar contains an entry for this variant (Variation ID: 1001774). Algorithms developed to predict the effect of missense changes on protein structure and function are either unavailable or do not agree on the potential impact of this missense change (SIFT: "Deleterious"; PolyPhen-2: "Possibly Damaging"; Align-GVGD: "Class C0"). In summary, the available evidence is currently insufficient to determine the role of this variant in disease. Therefore, it has been classified as a Variant of Uncertain Significance.

Fulgent Genetics
Classification: Uncertain significance for Short-rib thoracic dysplasia 10 with or without polydactyly; Retinitis pigmentosa 71; Bardet-Biedl syndrome 20. Last evaluated: 2022-05-11. Review status: criteria provided, single submitter. Criteria: ACMG Guidelines, 2015. Collection method: clinical testing. Allele origin: unknown.

Breakthrough Genomics
Classification: Uncertain significance. Review status: criteria provided, single submitter. Criteria: ACMG Guidelines, 2015. Collection method: not provided. Allele origin: germline. Inheritance: Autosomal recessive inheritance. Affected: yes.